The following is an entry in ClinVar:

ClinVar aggregate classification (germline): Uncertain significance (1 of 4 stars; one submission).

Conditions:
Mucopolysaccharidosis type 6 (MPS6). Also called: N-ACETYLGALACTOSAMINE-4-SULFATASE DEFICIENCY; MPS VI; MPS 6; Maroteaux Lamy syndrome; ARSB DEFICIENCY; ARYLSULFATASE B DEFICIENCY. Identifiers: Orphanet 583, MedGen C0026709, MONDO:0009661, OMIM 253200.

Submission:

Laboratory of Diagnosis and Therapy of Lysosomal Disorders, University of Padova
Classification: Uncertain significance for Mucopolysaccharidosis type 6. Last evaluated: 2018-01-01. Review status: criteria provided, single submitter. Criteria: ACMG Guidelines, 2015. Collection method: curation. Allele origin: germline. Affected: yes.
Comment: Absent from GnomAD (PM2)

Literature cited by the submitters: PubMed 26609033; PubMed 30118150.

NM_000046.5(ARSB):c.1349G>T (p.Trp450Leu)

Gene: ARSB (arylsulfatase B; minus strand). Cytogenetic location: 5q14.1.
Variant type: single nucleotide variant.
Coding change: c.1349G>T on transcript NM_000046.5 (MANE Select); coding-DNA position 1349, G replaced by T.
Protein change: p.Trp450Leu; replaces tryptophan 450 with leucine.
Molecular consequence: missense variant.
Genome position (GRCh38, 1-based): chr5:78,780,650, C>A on the plus strand (G>T on the coding strand, the complement: ARSB is on the minus strand). VCF-style: chr5-78780650-C-A. GRCh37 (hg19) VCF-style: chr5-78076473-C-A.
Other names: short protein forms W450L.
Identifiers: ClinVar variation 559707 (VCV000559707.1), dbSNP rs1554069685, ClinGen allele CA360339302.